The following is an entry in ClinVar:

ClinVar aggregate classification (germline): Likely benign (1 of 4 stars; one submission).

Submission:

GeneDx
Classification: Likely benign. Last evaluated: 2017-05-11. Review status: criteria provided, single submitter. Criteria: GeneDx Variant Classification (06012015). Collection method: clinical testing. Allele origin: germline. Affected: yes.
Comment: This variant is considered likely benign or benign based on one or more of the following criteria: it is a conservative change, it occurs at a poorly conserved position in the protein, it is predicted to be benign by multiple in silico algorithms, and/or has population frequency not consistent with disease.

NM_006258.4(PRKG1):c.1963-19del

Gene: PRKG1 (protein kinase cGMP-dependent 1; plus strand). Cytogenetic location: 10q21.1.
Variant type: Deletion.
Coding change: c.1963-19del on transcript NM_006258.4 (MANE Select); 19 bases into the intron before coding-DNA position 1963, one base deleted (A; older notation c.1963-19delA).
Molecular consequence: intron variant.
Genome position (GRCh38, 1-based): chr10:52,293,783, A deleted; the last of 8 consecutive A bases (chr10:52,293,776-52,293,783); deleting any one gives the same sequence. VCF-style (leftmost placement, unchanged base first): chr10-52293775-TA-T. GRCh37 (hg19) VCF-style: chr10-54053535-TA-T.
Other names: c.1918-19del (NM_001098512.3); c.1963-19delA (NM_006258.3).
Identifiers: ClinVar variation 509565 (VCV000509565.1), dbSNP rs145115489, ClinGen allele CA5503996.
Genomic context (GRCh38, chr10:52,293,775, plus strand): 5'-GGAATAAATACAGAATGCACTTAAAAATTCCAGCTTGGAATTCCACTAAAAAAAATCCAC[TA>T]AAAAAAACCTGTCCATTTTTTACAGGTTGCATCACCCACAGACACAAGTAATTTTGACAG-3'